The following is an entry in ClinVar:

NM_000393.5(COL5A2):c.1977+1G>A

Gene: COL5A2 (collagen type V alpha 2 chain; minus strand). Cytogenetic location: 2q32.2.
Variant type: single nucleotide variant.
Coding change: c.1977+1G>A on transcript NM_000393.5 (MANE Select); the canonical splice donor site of the intron after coding-DNA position 1977, G replaced by A.
Molecular consequence: splice donor variant.
Genome position (GRCh38, 1-based): chr2:189,062,864, C>T on the plus strand (G>A on the coding strand, the complement: COL5A2 is on the minus strand). VCF-style: chr2-189062864-C-T. GRCh37 (hg19) VCF-style: chr2-189927590-C-T.
Identifiers: ClinVar variation 658264 (VCV000658264.3), dbSNP rs1576502045, ClinGen allele CA349878877.

ClinVar aggregate classification (germline): Likely pathogenic (1 of 4 stars; one submission).

Conditions:
Ehlers-Danlos syndrome, classic type, 1 (EDSCL1). Also called: EDS I; EHLERS-DANLOS SYNDROME, GRAVIS TYPE; EHLERS-DANLOS SYNDROME, SEVERE CLASSIC TYPE; Ehlers-Danlos Syndrome, Classic Type, COL5A1-Related; Ehlers-Danlos syndrome, type 1. Identifiers: MedGen C0268335, MONDO:0019567, OMIM 130000.

Submission:

Labcorp Genetics (formerly Invitae), Labcorp
Classification: Likely pathogenic for Ehlers-Danlos syndrome, classic type, 1. Last evaluated: 2018-08-01. Review status: criteria provided, single submitter. Criteria: Invitae Variant Classification Sherloc (09022015). Collection method: clinical testing. Allele origin: germline.
Comment: This sequence change affects a donor splice site in intron 29 of the COL5A2 gene. It is expected to disrupt RNA splicing and likely results in an absent or disrupted protein product. This variant is not present in population databases (ExAC no frequency). This variant has not been reported in the literature in individuals with COL5A2-related disease. Algorithms developed to predict the effect of sequence changes on RNA splicing suggest that this variant may disrupt the consensus splice site, but this prediction has not been confirmed by published transcriptional studies. Donor and acceptor splice site variants typically lead to a loss of protein function (PMID: 16199547), and loss-of-function variants in COL5A2 are known to be pathogenic (PMID: 23587214). In summary, the currently available evidence indicates that the variant is pathogenic, but additional data are needed to prove that conclusively. Therefore, this variant has been classified as Likely Pathogenic.

Literature cited by the submitters: PubMed 16199547; PubMed 23587214.